The following is an entry in ClinVar:

ClinVar aggregate classification (germline): Uncertain significance (1 of 4 stars; one submission).

Conditions:
Early-infantile DEE. Also called: Early infantile epileptic encephalopathy; Ohtahara syndrome; Early infantile epileptic encephalopathy with suppression bursts. Identifiers: Orphanet 1934, MedGen C0393706, MONDO:0800491.

Submission:

Labcorp Genetics (formerly Invitae), Labcorp
Classification: Uncertain significance for Early-infantile DEE. Last evaluated: 2025-10-09. Review status: criteria provided, single submitter. Criteria: Invitae Variant Classification Sherloc (09022015). Collection method: clinical testing. Allele origin: germline.
Comment: This sequence change falls in intron 20 of the SCN1A gene. It does not directly change the encoded amino acid sequence of the SCN1A protein. However, this sequence change falls within a region encompassing a cryptic exon in the SCN1A gene, in which variants have been shown to alter splicing (PMID: 30526861, 34107977). This variant is not present in population databases (gnomAD no frequency). This variant has not been reported in the literature in individuals affected with SCN1A-related conditions. ClinVar contains an entry for this variant (Variation ID: 3639626). Algorithms developed to predict the effect of sequence changes on RNA splicing suggest that this variant is not likely to affect RNA splicing. In summary, the available evidence is currently insufficient to determine the role of this variant in disease. Therefore, it has been classified as a Variant of Uncertain Significance.

Literature cited by the submitters: PubMed 30526861; PubMed 34107977.

NM_001165963.4(SCN1A):c.4002+2648T>C

Genes: SCN1A (sodium voltage-gated channel alpha subunit 1; minus strand), LOC102724058 (uncharacterized LOC102724058; plus strand). Cytogenetic location: 2q24.3.
Variant type: single nucleotide variant.
Coding change: c.4002+2648T>C on transcript NM_001165963.4 (MANE Select); 2648 bases into the intron after coding-DNA position 4002, T replaced by C.
Molecular consequence: intron variant.
Genome position (GRCh38, 1-based): chr2:166,007,071, A>G on the plus strand (T>C on the coding strand, the complement: SCN1A is on the minus strand). VCF-style: chr2-166007071-A-G. GRCh37 (hg19) VCF-style: chr2-166863581-A-G.
Other names: c.3969+2648T>C (NM_001353949.2, NM_001353950.2, NM_001353951.2 and 2 more transcripts); c.3918+2648T>C (NM_001353958.2, NM_001353957.2, NM_001165964.3); c.4002+2648T>C (NM_001202435.3, NM_001353948.2); c.3966+2648T>C (NM_001353955.2, NM_001353954.2); c.3915+2648T>C (NM_001353960.2); c.1560+2648T>C (NM_001353961.2).
Identifiers: ClinVar variation 3639626 (VCV003639626.2).